The following is an entry in ClinVar:

ClinVar aggregate classification (germline): Likely pathogenic (1 of 4 stars; one submission).

Submission:

Quest Diagnostics Nichols Institute San Juan Capistrano
Classification: Likely pathogenic. Last evaluated: 2023-03-03. Review status: criteria provided, single submitter. Criteria: ACMG/ClinGen CNV Guidelines, 2019. Collection method: clinical testing. Allele origin: unknown.
Comment: This copy number gain of 16p13.11 involves multiple genes, and overlaps with the 16p13.11 recurrent region (BP2-BP3). It confers susceptibility to a range of neurodevelopmental disorders, and an increased risk for cardiovascular disease has been noted. The clinical significance of this recurrent duplication has been debated, because similar duplications are repeatedly observed in uncharacterized controls and in unaffected relatives. However, the duplication is enriched patients versus controls in multiple case-control studies, with some exceptions. Thus, the clinical significance of this copy number variant (CNV) is likely pathogenic with incomplete penetrance and variable expressivity. References: Allach El Khattabi et al. J Med Genet. 2020;57(5):301-7 . PMID: 30287593. Ullmann et al. Hum Mutat. 2007;28(7):674-82. PMID: 17480035. Hannes et al. J Med Genet. 2009;46(4):223-32. PMID: 18550696. Coe et al. Nat Genet. 2014;46(10):1063-71. PMID: 25217958. Girirajan et al. N Engl J Med. 2012;367(14):1321-31. PMID: 22970919. Kaminsky et al. Genet Med. 2011;13(9):777-84. PMID: 21844811. Tropeano et al. PLoS One. 2013;8(4):e61365. PMID: 23637818.

GRCh37/hg19 16p13.11(chr16:15509824-16328781)x3

Genes: ABCC1 (ATP binding cassette subfamily C member 1 (ABCC1 blood group); plus strand), ABCC6 (ATP binding cassette subfamily C member 6; minus strand), BMERB1 (bMERB domain containing 1; plus strand), CEP20 (centrosomal protein 20; minus strand), MARF1 (meiosis regulator and mRNA stability factor 1; minus strand) and 3 more. Cytogenetic location: 16p13.11.
Variant type: copy number gain.
Change: copy number 3 (three copies instead of two) of chr16:15,509,824-16,328,781 (819.0 kb, GRCh37 coordinates, 1-based), cytogenetic band 16p13.11.
Identifiers: ClinVar variation 980078 (VCV000980078.3).